The following is an entry in ClinVar:

ClinVar aggregate classification (germline): Uncertain significance. Review status: criteria provided, multiple submitters, no conflicts (2 of 4 stars). 6 submissions from 6 submitters: Uncertain significance (5). 1 of the submissions does not count toward it. Last evaluated 2026-02-03.

Conditions:
Hereditary cancer-predisposing syndrome. Also called: Hereditary neoplastic syndrome; Neoplastic Syndromes, Hereditary; Hereditary Cancer Syndrome; Tumor predisposition. Identifiers: Orphanet 140162, MedGen C0027672, MeSH D009386, MONDO:0015356.
Bloom syndrome (BLM). Also called: Bloom-Torre-Machacek syndrome. Identifiers: Orphanet 125, MedGen C0005859, MONDO:0008876, OMIM 210900.

Allele frequency attached by ClinVar (database versions not stated): gnomAD 0.00001 and 0.00002; ExAC 0.00002; gnomAD exomes 0.00002 and 0.00004; TOPMed 0.00002.
gnomAD v4.1: 54 of 1,614,032 alleles (0.0033%); highest among the groups gnomAD compares: South Asian, 0.0077%; no homozygotes.

Submissions (6):

Labcorp Genetics (formerly Invitae), Labcorp
Classification: Uncertain significance for Bloom syndrome. Last evaluated: 2026-02-03. Review status: criteria provided, single submitter. Criteria: Invitae Variant Classification Sherloc (09022015). Collection method: clinical testing. Allele origin: germline.
Comment: This sequence change replaces proline, which is neutral and non-polar, with leucine, which is neutral and non-polar, at codon 1402 of the BLM protein (p.Pro1402Leu). This variant is present in population databases (rs770313956, gnomAD 0.006%). This variant has not been reported in the literature in individuals affected with BLM-related conditions. ClinVar contains an entry for this variant (Variation ID: 571872). An algorithm developed to predict the effect of missense changes on protein structure and function (PolyPhen-2) suggests that this variant is likely to be disruptive. In summary, the available evidence is currently insufficient to determine the role of this variant in disease. Therefore, it has been classified as a Variant of Uncertain Significance.

Ambry Genetics
Classification: Uncertain significance for Hereditary cancer-predisposing syndrome. Last evaluated: 2025-08-09. Review status: criteria provided, single submitter. Criteria: Ambry Variant Classification Scheme 2023. Collection method: clinical testing. Allele origin: germline.
Comment: The p.P1402L variant (also known as c.4205C>T), located in coding exon 21 of the BLM gene, results from a C to T substitution at nucleotide position 4205. The proline at codon 1402 is replaced by leucine, an amino acid with similar properties. This amino acid position is highly conserved in available vertebrate species. In addition, the in silico prediction for this alteration is inconclusive. Since supporting evidence is limited at this time, the clinical significance of this alteration remains unclear.

Blueprint Genetics
Classification: Uncertain significance. Last evaluated: 2024-11-19. Review status: criteria provided, single submitter. Criteria: ACMG Guidelines, 2015. Collection method: clinical testing. Allele origin: germline.

Quest Diagnostics Nichols Institute San Juan Capistrano
Classification: Uncertain significance. Last evaluated: 2024-02-08. Review status: criteria provided, single submitter. Criteria: Quest Diagnostics criteria. Collection method: clinical testing. Allele origin: unknown.
Comment: The BLM c.4205C>T (p.Pro1402Leu) variant has been reported in the published literature in at least one individual with breast and/or ovarian cancer (PMID: 27153395 (2016)) and in a tumor sample of an individual with colorectal cancer (PMID: 32620917 (2020)). The frequency of this variant in the general population, 0.000018 (5/282878 chromosomes (Genome Aggregation Database)), is uninformative in the assessment of its pathogenicity. Analysis of this variant using bioinformatics tools for the prediction of the effect of amino acid changes on protein structure and function yielded conflicting predictions that this variant is benign or damaging. Based on the available information, we are unable to determine the clinical significance of this variant.

GeneDx
Classification: Uncertain significance. Last evaluated: 2023-05-08. Review status: criteria provided, single submitter. Criteria: GeneDx Variant Classification Process June 2021. Collection method: clinical testing. Allele origin: germline. Affected: yes.
Comment: Not observed at significant frequency in large population cohorts (gnomAD); In silico analysis supports that this missense variant has a deleterious effect on protein structure/function; Has not been previously published as pathogenic or benign to our knowledge; This variant is associated with the following publications: (PMID: 31133068)

Natera, Inc.
Classification: Uncertain significance for Bloom syndrome. Last evaluated: 2018-09-03. Review status: no assertion criteria provided. Collection method: clinical testing. Allele origin: germline. Not counted in ClinVar's aggregate classification.

Literature cited by the submitters: PubMed 31911633 (cited by Quest Diagnostics Nichols Institute San Juan Capistrano); PubMed 27153395 (cited by Quest Diagnostics Nichols Institute San Juan Capistrano); PubMed 32620917 (cited by Quest Diagnostics Nichols Institute San Juan Capistrano).

NM_000057.4(BLM):c.4205C>T (p.Pro1402Leu)

Gene: BLM (BLM RecQ like helicase; plus strand). Cytogenetic location: 15q26.1.
Variant type: single nucleotide variant.
Coding change: c.4205C>T on transcript NM_000057.4 (MANE Select); coding-DNA position 4205, C replaced by T.
Protein change: p.Pro1402Leu; replaces proline 1402 with leucine.
Molecular consequence: missense variant.
Genome position (GRCh38, 1-based): chr15:90,815,230, C>T. VCF-style: chr15-90815230-C-T. GRCh37 (hg19) VCF-style: chr15-91358460-C-T.
Other names: c.4205C>T, p.Pro1402Leu (NM_001287246.2); c.3812C>T, p.Pro1271Leu (NM_001287247.2); c.3080C>T, p.Pro1027Leu (NM_001287248.2); short protein forms P1402L, P1027L, P1271L.
Identifiers: ClinVar variation 571872 (VCV000571872.23), dbSNP rs770313956, ClinGen allele CA7739212.